The following is an entry in ClinVar:

ClinVar aggregate classification (germline): Uncertain significance (0 of 4 stars; one submission).

Conditions:
ARFGEF2-related disorder. Also called: ARFGEF2-related condition.

Submission:

PreventionGenetics, part of Exact Sciences
Classification: Uncertain significance for ARFGEF2-related condition. Last evaluated: 2024-08-28. Review status: no assertion criteria provided. Collection method: clinical testing. Allele origin: germline.
Comment: The ARFGEF2 c.773G>A variant is predicted to result in the amino acid substitution p.Ser258Asn. To our knowledge, this variant has not been reported in the literature or in a large population database, indicating this variant is rare. At this time, the clinical significance of this variant is uncertain due to the absence of conclusive functional and genetic evidence.

NM_006420.3(ARFGEF2):c.773G>A (p.Ser258Asn)

Gene: ARFGEF2 (ARF guanine nucleotide exchange factor 2; plus strand). Cytogenetic location: 20q13.13.
Variant type: single nucleotide variant.
Coding change: c.773G>A on transcript NM_006420.3 (MANE Select); coding-DNA position 773, G replaced by A.
Protein change: p.Ser258Asn; replaces serine 258 with asparagine.
Molecular consequence: missense variant.
Genome position (GRCh38, 1-based): chr20:48,953,725, G>A. VCF-style: chr20-48953725-G-A. GRCh37 (hg19) VCF-style: chr20-47570262-G-A.
Other names: c.773G>A, p.Ser258Asn (NM_001410846.1); short protein forms S258N.
Identifiers: ClinVar variation 3348524 (VCV003348524.1).